The following is an entry in ClinVar:

ClinVar aggregate classification (germline): Likely benign (0 of 4 stars; one submission).

Conditions:
RPGRIP1L-related disorder. Also called: RPGRIP1L-related disorders; RPGRIP1L-related condition. Identifiers: MedGen CN239416.

Allele frequency attached by ClinVar (database versions not stated): TOPMed below 0.00001; gnomAD 0.00001.
gnomAD v4.1: 1 of 1,610,602 alleles (0.000062%); highest among the groups gnomAD compares: Non-Finnish European, 0.000085%; no homozygotes.

Submission:

PreventionGenetics, part of Exact Sciences
Classification: Likely benign for RPGRIP1L-related condition. Last evaluated: 2019-11-15. Review status: no assertion criteria provided. Collection method: clinical testing. Allele origin: germline.
Comment: This variant is classified as likely benign based on ACMG/AMP sequence variant interpretation guidelines (Richards et al. 2015 PMID: 25741868, with internal and published modifications).

NM_015272.5(RPGRIP1L):c.2153-21G>C

Gene: RPGRIP1L (RPGRIP1 like; minus strand). Cytogenetic location: 16q12.2.
Variant type: single nucleotide variant.
Coding change: c.2153-21G>C on transcript NM_015272.5 (MANE Select); 21 bases into the intron before coding-DNA position 2153, G replaced by C.
Molecular consequence: intron variant.
Genome position (GRCh38, 1-based): chr16:53,649,136, C>G on the plus strand (G>C on the coding strand, the complement: RPGRIP1L is on the minus strand). VCF-style: chr16-53649136-C-G. GRCh37 (hg19) VCF-style: chr16-53683048-C-G.
Other names: c.2153-21G>C (NM_001127897.4, NM_001330538.2, NM_001308334.3).
Identifiers: ClinVar variation 3040186 (VCV003040186.2), dbSNP rs1966781531, ClinGen allele CA977439655.